The following is an entry in ClinVar:

NM_000760.4(CSF3R):c.1577-1G>A

Gene: CSF3R (colony stimulating factor 3 receptor; minus strand). Cytogenetic location: 1p34.3.
Variant type: single nucleotide variant.
Coding change: c.1577-1G>A on transcript NM_000760.4 (MANE Select); the canonical splice acceptor site of the intron before coding-DNA position 1577, G replaced by A.
Molecular consequence: splice acceptor variant.
Genome position (GRCh38, 1-based): chr1:36,468,222, C>T on the plus strand (G>A on the coding strand, the complement: CSF3R is on the minus strand). VCF-style: chr1-36468222-C-T. GRCh37 (hg19) VCF-style: chr1-36933823-C-T.
Other names: c.1577-1G>A (NM_156039.3, NM_172313.3).
Identifiers: ClinVar variation 2020016 (VCV002020016.4), dbSNP rs1650472590, ClinGen allele CA339418430.

ClinVar aggregate classification (germline): Likely pathogenic (1 of 4 stars; one submission).

Conditions:
Autosomal recessive severe congenital neutropenia due to CSF3R deficiency. Also called: Neutropenia, severe congenital, 7, autosomal recessive. Identifiers: Orphanet 420702, MedGen C4310764, MONDO:0014865, OMIM 617014.

Allele frequency attached by ClinVar (database versions not stated): TOPMed below 0.00001.

Submission:

Labcorp Genetics (formerly Invitae), Labcorp
Classification: Likely pathogenic for Autosomal recessive severe congenital neutropenia due to CSF3R deficiency. Last evaluated: 2022-03-31. Review status: criteria provided, single submitter. Criteria: Invitae Variant Classification Sherloc (09022015). Collection method: clinical testing. Allele origin: germline.
Comment: In summary, the currently available evidence indicates that the variant is pathogenic, but additional data are needed to prove that conclusively. Therefore, this variant has been classified as Likely Pathogenic. Algorithms developed to predict the effect of sequence changes on RNA splicing suggest that this variant may disrupt the consensus splice site. This variant has not been reported in the literature in individuals affected with CSF3R-related conditions. This variant is not present in population databases (gnomAD no frequency). This sequence change affects an acceptor splice site in intron 12 of the CSF3R gene. It is expected to disrupt RNA splicing. Variants that disrupt the donor or acceptor splice site typically lead to a loss of protein function (PMID: 16199547), and loss-of-function variants in CSF3R are known to be pathogenic (PMID: 24753537, 26324699).

Literature cited by the submitters: PubMed 16199547; PubMed 24753537; PubMed 26324699.